The following is an entry in ClinVar:

ClinVar aggregate classification (germline): Uncertain significance (1 of 4 stars; one submission).

Conditions:
Inosine triphosphatase deficiency. Also called: INOSINE TRIPHOSPHATE PYROPHOSPHOHYDROLASE DEFICIENCY. Identifiers: MedGen C0342800, MONDO:0013461, OMIM 613850.

Allele frequency attached by ClinVar (database versions not stated): TOPMed below 0.00001; gnomAD exomes 0.00001.
gnomAD v4.1: 18 of 1,610,408 alleles (0.0011%); highest among the groups gnomAD compares: Non-Finnish European, 0.0013%; no homozygotes.

Submission:

Labcorp Genetics (formerly Invitae), Labcorp
Classification: Uncertain significance for Inosine triphosphatase deficiency. Last evaluated: 2022-09-27. Review status: criteria provided, single submitter. Criteria: Invitae Variant Classification Sherloc (09022015). Collection method: clinical testing. Allele origin: germline.
Comment: ClinVar contains an entry for this variant (Variation ID: 1383346). In summary, the available evidence is currently insufficient to determine the role of this variant in disease. Therefore, it has been classified as a Variant of Uncertain Significance. Algorithms developed to predict the effect of sequence changes on RNA splicing suggest that this variant may disrupt the consensus splice site. This variant has not been reported in the literature in individuals affected with ITPA-related conditions. This variant is not present in population databases (gnomAD no frequency). This sequence change falls in intron 7 of the ITPA gene. It does not directly change the encoded amino acid sequence of the ITPA protein.

NM_033453.4(ITPA):c.489-8C>G

Gene: ITPA (inosine triphosphatase; plus strand). Cytogenetic location: 20p13.
Variant type: single nucleotide variant.
Coding change: c.489-8C>G on transcript NM_033453.4 (MANE Select); 8 bases into the intron before coding-DNA position 489, C replaced by G.
Molecular consequence: intron variant.
Genome position (GRCh38, 1-based): chr20:3,223,358, C>G. VCF-style: chr20-3223358-C-G. GRCh37 (hg19) VCF-style: chr20-3204004-C-G.
Other names: c.152-8C>G (NM_001324237.2, NM_001324238.2, NM_001324236.2 and 1 more transcripts); c.412-3325C>G (NM_001324240.2); c.366-8C>G (NM_001267623.2); c.438-8C>G (NM_181493.4).
Identifiers: ClinVar variation 1383346 (VCV001383346.4), dbSNP rs1282248154, ClinGen allele CA743606004.
Genomic context (GRCh38, chr20:3,223,358, plus strand): 5'-TAGGGTTGGGAGGGGGTGCACTTCCTTCCTGAATCTGGGCTCCCTGAGCTGCTACTGTCA[C>G]CCCTCAGGTACGCAGAGATGCCTAAGGCGGAGAAGAACGCTGTCTCCCATCGCTTCCGGG-3'